The following is an entry in ClinVar:

ClinVar aggregate classification (germline): Uncertain significance (1 of 4 stars; one submission).

Allele frequency attached by ClinVar (database versions not stated): gnomAD exomes 0.00001; TOPMed 0.00001.
gnomAD v4.1: 14 of 1,614,186 alleles (0.00087%); highest among the groups gnomAD compares: Admixed American, 0.0033%; no homozygotes.

Submission:

Labcorp Genetics (formerly Invitae), Labcorp
Classification: Uncertain significance. Last evaluated: 2023-10-11. Review status: criteria provided, single submitter. Criteria: Invitae Variant Classification Sherloc (09022015). Collection method: clinical testing. Allele origin: germline.
Comment: This sequence change replaces isoleucine, which is neutral and non-polar, with threonine, which is neutral and polar, at codon 104 of the SF3B4 protein (p.Ile104Thr). This variant is present in population databases (no rsID available, gnomAD 0.002%). This variant has not been reported in the literature in individuals affected with SF3B4-related conditions. ClinVar contains an entry for this variant (Variation ID: 1022185). An algorithm developed to predict the effect of missense changes on protein structure and function (PolyPhen-2) suggests that this variant is likely to be disruptive. In summary, the available evidence is currently insufficient to determine the role of this variant in disease. Therefore, it has been classified as a Variant of Uncertain Significance.

NM_005850.5(SF3B4):c.311T>C (p.Ile104Thr)

Gene: SF3B4 (splicing factor 3b subunit 4; minus strand). Cytogenetic location: 1q21.2.
Variant type: single nucleotide variant.
Coding change: c.311T>C on transcript NM_005850.5 (MANE Select); coding-DNA position 311, T replaced by C.
Protein change: p.Ile104Thr; replaces isoleucine 104 with threonine.
Molecular consequence: missense variant.
Genome position (GRCh38, 1-based): chr1:149,926,771, A>G on the plus strand (T>C on the coding strand, the complement: SF3B4 is on the minus strand). VCF-style: chr1-149926771-A-G. GRCh37 (hg19) VCF-style: chr1-149898663-A-G.
Other names: short protein forms I104T.
Identifiers: ClinVar variation 1022185 (VCV001022185.8), dbSNP rs1214078627, ClinGen allele CA342277542.